The following is an entry in ClinVar:

NC_000017.11:g.(?_43063854)_(43125483_?)del

Genes: BRCA1 (BRCA1 DNA repair associated; minus strand), LOC111589215 (BRCA1 promoter region; plus strand), LOC110485084 (BRCA1 intronic recombination region; plus strand), LOC111589216 (BRCA1 intron 2 regulatory region; plus strand), LOC126862571 (BRD4-independent group 4 enhancer GRCh37_chr17:41243136-41244335; plus strand). Cytogenetic location: 17q21.31.
Variant type: Deletion.
Identifiers: ClinVar variation 583707 (VCV000583707.3).

ClinVar aggregate classification (germline): Pathogenic (1 of 4 stars; one submission).

Conditions:
Hereditary breast ovarian cancer syndrome. Also called: Hereditary breast and ovarian cancer syndrome; Hereditary breast and/or ovarian cancer syndrome; Hereditary breast and ovarian cancer syndrome (HBOC); Breast and ovarian cancer; BRCA1- and BRCA2-Associated Hereditary Breast and Ovarian Cancer; Hereditary breast and ovarian cancer. Identifiers: Orphanet 145, MedGen C0677776, MeSH D061325, MONDO:0003582. Disease mechanism: loss of function.

Submission:

Labcorp Genetics (formerly Invitae), Labcorp
Classification: Pathogenic for Hereditary breast ovarian cancer syndrome. Last evaluated: 2021-08-12. Review status: criteria provided, single submitter. Criteria: Invitae Variant Classification Sherloc (09022015). Collection method: clinical testing. Allele origin: germline.
Comment: This variant is a gross deletion of the genomic region encompassing exon(s) 1-17 of the BRCA1 gene, which includes the initiator codon. This deletion extends beyond the assayed region for this gene and therefore may encompass additional genes. It is expected to result in an absent or disrupted protein product. Loss-of-function variants in BRCA1 are known to be pathogenic (PMID: 20104584). A similar copy number variant has been observed in individual(s) with breast and/or ovarian cancer (PMID: 15475941, 18330910, 20135348, 21281505, 23199084, 28595730). It is commonly reported in individuals of Czech ancestry (PMID: 15475941, 18330910, 20135348, 21281505, 23199084, 28595730). For these reasons, this variant has been classified as Pathogenic.

Literature cited by the submitters: PubMed 20104584; PubMed 15475941; PubMed 18330910; PubMed 20135348; PubMed 21281505; PubMed 23199084; PubMed 28595730.